The following is an entry in ClinVar:

NM_000523.4(HOXD13):c.617A>G (p.Tyr206Cys)

Gene: HOXD13 (homeobox D13; plus strand). Cytogenetic location: 2q31.1.
Variant type: single nucleotide variant.
Coding change: c.617A>G on transcript NM_000523.4 (MANE Select); coding-DNA position 617, A replaced by G.
Protein change: p.Tyr206Cys; replaces tyrosine 206 with cysteine.
Molecular consequence: missense variant.
Genome position (GRCh38, 1-based): chr2:176,093,507, A>G. VCF-style: chr2-176093507-A-G. GRCh37 (hg19) VCF-style: chr2-176958235-A-G.
Other names: c.617A>G (NM_000523.3); short protein forms Y206C.
Identifiers: ClinVar variation 1174610 (VCV001174610.8), dbSNP rs147720746, ClinGen allele CA1976638.

ClinVar aggregate classification (germline): Benign/Likely benign. Review status: criteria provided, multiple submitters, no conflicts (2 of 4 stars). 5 submissions from 5 submitters: Benign (1); Likely benign (1). 3 of the submissions do not count toward it. Last evaluated 2025-07-13.

Conditions:
HOXD13-related disorder. Also called: HOXD13-related condition; HOXD13-related disorders.

Allele frequency attached by ClinVar (database versions not stated): TOPMed 0.00037; 1000 Genomes Project 0.00040; ESP Exome Variant Server 0.00046; 1000 Genomes Project 30x 0.00078; gnomAD exomes 0.00078 and 0.00114; gnomAD 0.00086 and 0.00089; ExAC 0.00106.
gnomAD v4.1: 1,253 of 1,614,032 alleles (0.078%); highest among the groups gnomAD compares: Non-Finnish European, 0.066%; 5 homozygotes.

Submissions (5):

Labcorp Genetics (formerly Invitae), Labcorp
Classification: Benign. Last evaluated: 2025-07-13. Review status: criteria provided, single submitter. Criteria: Invitae Variant Classification Sherloc (09022015). Collection method: clinical testing. Allele origin: germline.

Blueprint Genetics
Classification: Likely benign. Last evaluated: 2024-11-12. Review status: criteria provided, single submitter. Criteria: ACMG Guidelines, 2015. Collection method: clinical testing. Allele origin: germline.

PreventionGenetics, part of Exact Sciences
Classification: Likely benign for HOXD13-related condition. Last evaluated: 2019-10-07. Review status: no assertion criteria provided. Collection method: clinical testing. Allele origin: germline. Not counted in ClinVar's aggregate classification.
Comment: This variant is classified as likely benign based on ACMG/AMP sequence variant interpretation guidelines (Richards et al. 2015 PMID: 25741868, with internal and published modifications).

Diagnostic Laboratory, Department of Genetics, University Medical Center Groningen
Classification: Likely benign. Review status: no assertion criteria provided. Collection method: clinical testing. Allele origin: germline. Affected: yes. Study: VKGL Data-share Consensus. Not counted in ClinVar's aggregate classification.

Laboratory of Diagnostic Genome Analysis, Leiden University Medical Center (LUMC)
Classification: Likely benign. Review status: no assertion criteria provided. Collection method: clinical testing. Allele origin: germline. Affected: yes. Study: VKGL Data-share Consensus. Not counted in ClinVar's aggregate classification.